The following is an entry in ClinVar:

ClinVar aggregate classification (germline): Conflicting classifications of pathogenicity. Review status: criteria provided, conflicting classifications (1 of 4 stars). 3 submissions from 3 submitters: Uncertain significance (2); Likely benign (1). Last evaluated 2026-01-01.

gnomAD v4.1: 107 of 1,614,016 alleles (0.0066%); highest among the groups gnomAD compares: African/African-American, 0.045%; no homozygotes.

Submissions (3):

CeGaT Center for Human Genetics Tuebingen
Classification: Likely benign. Last evaluated: 2026-01-01. Review status: criteria provided, single submitter. Criteria: CeGaT Center For Human Genetics Tuebingen Variant Classification Criteria Version 2. Collection method: clinical testing. Allele origin: germline. Affected: yes. Observed: 1 variant allele.
Comment: FAT2: PP2, BS2

Labcorp Genetics (formerly Invitae), Labcorp
Classification: Uncertain significance. Last evaluated: 2024-11-07. Review status: criteria provided, single submitter. Criteria: Invitae Variant Classification Sherloc (09022015). Collection method: clinical testing. Allele origin: germline.
Comment: This sequence change replaces valine, which is neutral and non-polar, with methionine, which is neutral and non-polar, at codon 384 of the FAT2 protein (p.Val384Met). This variant is present in population databases (rs140775774, gnomAD 0.07%), and has an allele count higher than expected for a pathogenic variant. This variant has not been reported in the literature in individuals affected with FAT2-related conditions. Invitae Evidence Modeling of protein sequence and biophysical properties (such as structural, functional, and spatial information, amino acid conservation, physicochemical variation, residue mobility, and thermodynamic stability) indicates that this missense variant is not expected to disrupt FAT2 protein function with a negative predictive value of 80%. In summary, the available evidence is currently insufficient to determine the role of this variant in disease. Therefore, it has been classified as a Variant of Uncertain Significance.

Ambry Genetics
Classification: Uncertain significance. Last evaluated: 2024-10-16. Review status: criteria provided, single submitter. Criteria: Ambry Variant Classification Scheme 2023. Collection method: clinical testing. Allele origin: germline.

NM_001447.3(FAT2):c.1150G>A (p.Val384Met)

Gene: FAT2 (FAT atypical cadherin 2; minus strand). Cytogenetic location: 5q33.1.
Variant type: single nucleotide variant.
Coding change: c.1150G>A on transcript NM_001447.3 (MANE Select); coding-DNA position 1150, G replaced by A.
Protein change: p.Val384Met; replaces valine 384 with methionine.
Molecular consequence: missense variant.
Genome position (GRCh38, 1-based): chr5:151,567,782, C>T on the plus strand (G>A on the coding strand, the complement: FAT2 is on the minus strand). VCF-style: chr5-151567782-C-T. GRCh37 (hg19) VCF-style: chr5-150947343-C-T.
Other names: short protein forms V384M.
Identifiers: ClinVar variation 3513238 (VCV003513238.7).
Genomic context (GRCh38, chr5:151,567,782, plus strand): 5'-CATTCTCTGAAGATGGCTTTAGAACATACTGCAGGTTGGGGAAGGCTGGGGTGACTCTCA[C>T]CATCACCACGCGGCTGCCAGGAGGGGAAAACTCACTAAGCTGCACTCTGTAAACAGCCTT-3'
Protein context (NP_001438.1, residues 374-394): FSPPGSRVVM[Val384Met]RVTPAFPNLQ